The following is an entry in ClinVar:

NM_001134407.3(GRIN2A):c.3056A>G (p.Asp1019Gly)

Gene: GRIN2A (glutamate ionotropic receptor NMDA type subunit 2A; minus strand). Cytogenetic location: 16p13.2.
Variant type: single nucleotide variant.
Coding change: c.3056A>G on transcript NM_001134407.3 (MANE Select); coding-DNA position 3056, A replaced by G.
Protein change: p.Asp1019Gly; replaces aspartic acid 1019 with glycine.
Molecular consequence: missense variant.
Genome position (GRCh38, 1-based): chr16:9,764,488, T>C on the plus strand (A>G on the coding strand, the complement: GRIN2A is on the minus strand). VCF-style: chr16-9764488-T-C. GRCh37 (hg19) VCF-style: chr16-9858345-T-C.
Other names: c.3056A>G, p.Asp1019Gly (NM_000833.5, NM_001134408.2); short protein forms D1019G.
Identifiers: ClinVar variation 4686829 (VCV004686829.1).

ClinVar aggregate classification (germline): Uncertain significance (1 of 4 stars; one submission).

Submission:

GeneDx
Classification: Uncertain significance. Last evaluated: 2025-07-11. Review status: criteria provided, single submitter. Criteria: GeneDx Variant Classification Process June 2021. Collection method: clinical testing. Allele origin: germline. Affected: yes.
Comment: Not observed at significant frequency in large population cohorts (gnomAD); In silico analysis suggests that this missense variant does not alter protein structure/function; Has not been previously published as pathogenic or benign to our knowledge